The following is an entry in ClinVar:

ClinVar aggregate classification (germline): Benign (1 of 4 stars; one submission).

Allele frequency attached by ClinVar (database versions not stated): gnomAD 0.00011 and 0.00009; ExAC 0.00017; gnomAD exomes 0.00011 and 0.00018; ESP Exome Variant Server 0.00008; TOPMed 0.00011.
gnomAD v4.1: 267 of 1,587,026 alleles (0.017%); highest among the groups gnomAD compares: South Asian, 0.03%; no homozygotes.

Submission:

GeneDx
Classification: Benign. Last evaluated: 2015-04-08. Review status: criteria provided, single submitter. Criteria: GeneDx Variant Classification (06012015). Collection method: clinical testing. Allele origin: germline. Affected: yes.
Comment: This variant is considered likely benign or benign based on one or more of the following criteria: it is a conservative change, it occurs at a poorly conserved position in the protein, it is predicted to be benign by multiple in silico algorithms, and/or has population frequency not consistent with disease.

NM_000726.5(CACNB4):c.599-16C>T

Gene: CACNB4 (calcium voltage-gated channel auxiliary subunit beta 4; minus strand). Cytogenetic location: 2q23.3.
Variant type: single nucleotide variant.
Coding change: c.599-16C>T on transcript NM_000726.5 (MANE Select); 16 bases into the intron before coding-DNA position 599, C replaced by T.
Molecular consequence: intron variant.
Genome position (GRCh38, 1-based): chr2:151,870,877, G>A on the plus strand (C>T on the coding strand, the complement: CACNB4 is on the minus strand). VCF-style: chr2-151870877-G-A. GRCh37 (hg19) VCF-style: chr2-152727391-G-A.
Other names: c.599-16C>T (NM_001145798.2); c.545-266C>T (NM_001330113.2); c.545-16C>T (NM_001005746.4); c.497-266C>T (NM_001330115.2); c.497-16C>T (NM_001005747.4); c.458-266C>T (NM_001330116.2); c.-36-266C>T (NM_001330114.2); c.458-16C>T (NM_001320722.3, NM_001330118.1); and 1 more.
Identifiers: ClinVar variation 377621 (VCV000377621.1), dbSNP rs371787892, ClinGen allele CA1912577.